The following is an entry in ClinVar:

NM_000057.4(BLM):c.3938A>C (p.Glu1313Ala)

Gene: BLM (BLM RecQ like helicase; plus strand). Cytogenetic location: 15q26.1.
Variant type: single nucleotide variant.
Coding change: c.3938A>C on transcript NM_000057.4 (MANE Select); coding-DNA position 3938, A replaced by C.
Protein change: p.Glu1313Ala; replaces glutamic acid 1313 with alanine.
Molecular consequence: missense variant.
Genome position (GRCh38, 1-based): chr15:90,811,268, A>C. VCF-style: chr15-90811268-A-C. GRCh37 (hg19) VCF-style: chr15-91354498-A-C.
Other names: c.3938A>C, p.Glu1313Ala (NM_001287246.2); c.3545A>C, p.Glu1182Ala (NM_001287247.2); c.2813A>C, p.Glu938Ala (NM_001287248.2); short protein forms E1182A, E938A, E1313A.
Identifiers: ClinVar variation 969393 (VCV000969393.9), dbSNP rs754033839, ClinGen allele CA7739165.

ClinVar aggregate classification (germline): Uncertain significance. Review status: criteria provided, multiple submitters, no conflicts (2 of 4 stars). 2 submissions from 2 submitters: Uncertain significance (2). Last evaluated 2024-08-20.

Conditions:
Bloom syndrome (BLM). Also called: Bloom-Torre-Machacek syndrome. Identifiers: Orphanet 125, MedGen C0005859, MONDO:0008876, OMIM 210900.
Hereditary cancer-predisposing syndrome. Also called: Neoplastic Syndromes, Hereditary; Hereditary Cancer Syndrome; Tumor predisposition; Hereditary neoplastic syndrome. Identifiers: Orphanet 140162, MedGen C0027672, MeSH D009386, MONDO:0015356.

Allele frequency attached by ClinVar (database versions not stated): gnomAD exomes below 0.00001; ExAC 0.00001.

Submissions (2):

Labcorp Genetics (formerly Invitae), Labcorp
Classification: Uncertain significance for Bloom syndrome. Last evaluated: 2024-08-20. Review status: criteria provided, single submitter. Criteria: Invitae Variant Classification Sherloc (09022015). Collection method: clinical testing. Allele origin: germline.
Comment: This sequence change replaces glutamic acid, which is acidic and polar, with alanine, which is neutral and non-polar, at codon 1313 of the BLM protein (p.Glu1313Ala). This variant is present in population databases (rs754033839, gnomAD 0.003%). This variant has not been reported in the literature in individuals affected with BLM-related conditions. ClinVar contains an entry for this variant (Variation ID: 969393). Invitae Evidence Modeling of protein sequence and biophysical properties (such as structural, functional, and spatial information, amino acid conservation, physicochemical variation, residue mobility, and thermodynamic stability) indicates that this missense variant is not expected to disrupt BLM protein function with a negative predictive value of 80%. In summary, the available evidence is currently insufficient to determine the role of this variant in disease. Therefore, it has been classified as a Variant of Uncertain Significance.

Ambry Genetics
Classification: Uncertain significance for Hereditary cancer-predisposing syndrome. Last evaluated: 2024-08-08. Review status: criteria provided, single submitter. Criteria: Ambry Variant Classification Scheme 2023. Collection method: clinical testing. Allele origin: germline.
Comment: The p.E1313A variant (also known as c.3938A>C), located in coding exon 20 of the BLM gene, results from an A to C substitution at nucleotide position 3938. The glutamic acid at codon 1313 is replaced by alanine, an amino acid with dissimilar properties. This variant has been reported in 1/1120 pediatric cancer patients who underwent whole genome sequencing and/or whole exome sequencing; this was diagnosed with melanoma (Zhang J et al. N Engl J Med, 2015 Dec;373:2336-2346). This amino acid position is not well conserved in available vertebrate species. In addition, this alteration is predicted to be tolerated by in silico analysis. Since supporting evidence is limited at this time, the clinical significance of this alteration remains unclear.

Literature cited by the submitters: PubMed 26580448 (cited by Ambry Genetics).